The following is an entry in ClinVar:

ClinVar aggregate classification (germline): Uncertain significance (1 of 4 stars; one submission).

Conditions:
Ullrich congenital muscular dystrophy 2 (UCMD2). Identifiers: Orphanet 75840, MedGen C4225314, MONDO:0014654, OMIM 616470.
Bethlem myopathy 2 (BTHLM2). Identifiers: Orphanet 536516, Orphanet 610, MedGen C4225313, MONDO:0034022, OMIM 616471.

Allele frequency attached by ClinVar (database versions not stated): gnomAD exomes below 0.00001; TOPMed below 0.00001; gnomAD 0.00001; ESP Exome Variant Server 0.00008.
gnomAD v4.1: 3 of 1,610,886 alleles (0.00019%); highest among the groups gnomAD compares: Non-Finnish European, 0.00025%; no homozygotes.

Submission:

Labcorp Genetics (formerly Invitae), Labcorp
Classification: Uncertain significance for Bethlem myopathy 2; Ullrich congenital muscular dystrophy 2. Last evaluated: 2024-08-08. Review status: criteria provided, single submitter. Criteria: Invitae Variant Classification Sherloc (09022015). Collection method: clinical testing. Allele origin: germline.
Comment: This sequence change replaces serine, which is neutral and polar, with phenylalanine, which is neutral and non-polar, at codon 1188 of the COL12A1 protein (p.Ser1188Phe). This variant is present in population databases (rs370106895, gnomAD 0.0009%). This variant has not been reported in the literature in individuals affected with COL12A1-related conditions. An algorithm developed to predict the effect of missense changes on protein structure and function (PolyPhen-2) suggests that this variant is likely to be tolerated. In summary, the available evidence is currently insufficient to determine the role of this variant in disease. Therefore, it has been classified as a Variant of Uncertain Significance.

NM_004370.6(COL12A1):c.3563C>T (p.Ser1188Phe)

Gene: COL12A1 (collagen type XII alpha 1 chain; minus strand). Cytogenetic location: 6q13.
Variant type: single nucleotide variant.
Coding change: c.3563C>T on transcript NM_004370.6 (MANE Select); coding-DNA position 3563, C replaced by T.
Protein change: p.Ser1188Phe; replaces serine 1188 with phenylalanine.
Molecular consequence: missense variant. On other transcripts: intron variant (2).
Genome position (GRCh38, 1-based): chr6:75,154,418, G>A on the plus strand (C>T on the coding strand, the complement: COL12A1 is on the minus strand). VCF-style: chr6-75154418-G-A. GRCh37 (hg19) VCF-style: chr6-75864134-G-A.
Other names: c.3563C>T, p.Ser1188Phe (NM_001424113.1, NM_001424114.1); c.3290C>T, p.Ser1097Phe (NM_001424115.1); c.74-1936C>T (NM_001424116.1, NM_080645.3); short protein forms S1188F, S1097F.
Identifiers: ClinVar variation 2931001 (VCV002931001.3), dbSNP rs370106895, ClinGen allele CA141006681.